The following is an entry in ClinVar:

NM_001101362.3(KBTBD13):c.199G>A (p.Gly67Ser)

Gene: KBTBD13 (kelch repeat and BTB domain containing 13; plus strand). Cytogenetic location: 15q22.31.
Variant type: single nucleotide variant.
Coding change: c.199G>A on transcript NM_001101362.3 (MANE Select); coding-DNA position 199, G replaced by A.
Protein change: p.Gly67Ser; replaces glycine 67 with serine.
Molecular consequence: missense variant.
Genome position (GRCh38, 1-based): chr15:65,077,014, G>A. VCF-style: chr15-65077014-G-A. GRCh37 (hg19) VCF-style: chr15-65369352-G-A.
Other names: short protein forms G67S.
Identifiers: ClinVar variation 2179808 (VCV002179808.5), dbSNP rs770087291, ClinGen allele CA7613897.

ClinVar aggregate classification (germline): Uncertain significance. Review status: criteria provided, multiple submitters, no conflicts (2 of 4 stars). 2 submissions from 2 submitters: Uncertain significance (2). Last evaluated 2025-05-30.

Conditions:
Nemaline myopathy 6 (NEM6). Also called: Nemaline myopathy 6, autosomal dominant. Identifiers: Orphanet 171439, MedGen C1836472, MONDO:0012237, OMIM 609273.

Allele frequency attached by ClinVar (database versions not stated): gnomAD 0.00003; ExAC 0.00010.

Submissions (2):

Labcorp Genetics (formerly Invitae), Labcorp
Classification: Uncertain significance for Nemaline myopathy 6. Last evaluated: 2025-05-30. Review status: criteria provided, single submitter. Criteria: Invitae Variant Classification Sherloc (09022015). Collection method: clinical testing. Allele origin: germline.
Comment: This sequence change replaces glycine, which is neutral and non-polar, with serine, which is neutral and polar, at codon 67 of the KBTBD13 protein (p.Gly67Ser). This variant is present in population databases (rs770087291, gnomAD 0.04%), and has an allele count higher than expected for a pathogenic variant. This variant has not been reported in the literature in individuals affected with KBTBD13-related conditions. ClinVar contains an entry for this variant (Variation ID: 2179808). Invitae Evidence Modeling of protein sequence and biophysical properties (such as structural, functional, and spatial information, amino acid conservation, physicochemical variation, residue mobility, and thermodynamic stability) indicates that this missense variant is not expected to disrupt KBTBD13 protein function with a negative predictive value of 80%. In summary, the available evidence is currently insufficient to determine the role of this variant in disease. Therefore, it has been classified as a Variant of Uncertain Significance.

Revvity Omics, Revvity
Classification: Uncertain significance for Nemaline myopathy 6. Last evaluated: 2023-11-30. Review status: criteria provided, single submitter. Criteria: ACMG Guidelines, 2015. Collection method: clinical testing. Allele origin: germline.